The following is an entry in ClinVar:

ClinVar aggregate classification (germline): Uncertain significance (1 of 4 stars; one submission).

Submission:

Ambry Genetics
Classification: Uncertain significance. Last evaluated: 2026-03-07. Review status: criteria provided, single submitter. Criteria: Ambry Variant Classification Scheme 2023. Collection method: clinical testing. Allele origin: germline.
Comment: The p.P1489L variant (also known as c.4466C>T), located in coding exon 19 of the WNK2 gene, results from a C to T substitution at nucleotide position 4466. The proline at codon 1489 is replaced by leucine, an amino acid with similar properties. This amino acid position is conserved. In addition, this alteration is predicted to be tolerated by in silico analysis. Based on the available evidence, the clinical significance of this variant remains unclear.

NM_006648.4(WNK2):c.4466C>T (p.Pro1489Leu)

Gene: WNK2 (WNK lysine deficient protein kinase 2; plus strand). Cytogenetic location: 9q22.31.
Variant type: single nucleotide variant.
Coding change: c.4466C>T on transcript NM_006648.4 (MANE Select); coding-DNA position 4466, C replaced by T.
Protein change: p.Pro1489Leu; replaces proline 1489 with leucine.
Molecular consequence: missense variant.
Genome position (GRCh38, 1-based): chr9:93,289,220, C>T. VCF-style: chr9-93289220-C-T. GRCh37 (hg19) VCF-style: chr9-96051502-C-T.
Other names: c.4577C>T, p.Pro1526Leu (NM_001282394.3); short protein forms P1489L, P1526L.
Identifiers: ClinVar variation 4826240 (VCV004826240.1).